The following is an entry in ClinVar:

ClinVar aggregate classification (germline): Uncertain significance (1 of 4 stars; one submission).

Conditions:
Hereditary cancer-predisposing syndrome. Also called: Neoplastic Syndromes, Hereditary; Hereditary Cancer Syndrome; Tumor predisposition; Hereditary neoplastic syndrome. Identifiers: Orphanet 140162, MedGen C0027672, MeSH D009386, MONDO:0015356.

Submission:

Ambry Genetics
Classification: Uncertain significance for Hereditary cancer-predisposing syndrome. Last evaluated: 2023-03-08. Review status: criteria provided, single submitter. Criteria: Ambry Variant Classification Scheme 2023. Collection method: clinical testing. Allele origin: germline.
Comment: The p.D156G variant (also known as c.467A>G), located in coding exon 5 of the RAD51D gene, results from an A to G substitution at nucleotide position 467. The aspartic acid at codon 156 is replaced by glycine, an amino acid with similar properties. This alteration was detected in 0/1054 Hispanic BRCA1/2-negative probands with hereditary breast cancer and 1/1189 controls (Weitzel JN et al. Cancer, 2019 Aug;125:2829-2836). This amino acid position is well conserved in available vertebrate species. In addition, this alteration is predicted to be tolerated by in silico analysis. Since supporting evidence is limited at this time, the clinical significance of this alteration remains unclear.

Literature cited by the submitters: PubMed 31206626.

NM_002878.4(RAD51D):c.467A>G (p.Asp156Gly)

Genes: RAD51L3-RFFL (RAD51L3-RFFL readthrough; minus strand), RAD51D (RAD51 paralog D; minus strand). Cytogenetic location: 17q12.
Variant type: single nucleotide variant.
Coding change: c.467A>G on transcript NM_002878.4 (MANE Select); coding-DNA position 467, A replaced by G.
Protein change: p.Asp156Gly; replaces aspartic acid 156 with glycine.
Molecular consequence: missense variant. On other transcripts: non-coding transcript variant (1), intron variant (1).
Genome position (GRCh38, 1-based): chr17:35,107,001, T>C on the plus strand (A>G on the coding strand, the complement: RAD51D is on the minus strand). VCF-style: chr17-35107001-T-C. GRCh37 (hg19) VCF-style: chr17-33434020-T-C.
Other names: c.527A>G, p.Asp176Gly (NM_001142571.2); c.145-520A>G (NM_133629.3); short protein forms D156G, D176G.
Identifiers: ClinVar variation 2448056 (VCV002448056.2), dbSNP rs2091612637, ClinGen allele CA399089170.
Genomic context (GRCh38, chr17:35,107,001, plus strand): 5'-GTTTTCCTGTGTCAGAATCTCAATGGAACCCAGCATCCTGCCCTTACCTGTTCCTCCTCA[T>C]CCTGGGTTTTAGCCTGAAGCAGCTGGAGGAGGCGGGAAGCTGTCAGCCCTCCATTGGAAT-3'
Protein context (NP_002869.3, residues 146-166): LLQLLQAKTQ[Asp156Gly]EEEQAEALRR